The following is an entry in ClinVar:

ClinVar aggregate classification (germline): Likely pathogenic (1 of 4 stars; one submission).

Conditions:
Autosomal dominant nonsyndromic hearing loss 22. Also called: DFNA 22; Autosomal dominant nonsyndromic deafness 22. Identifiers: Orphanet 228012, MedGen C2931767, MONDO:0011660, OMIM 606346.

Submission:

King Laboratory, University of Washington
Classification: Likely pathogenic for Autosomal dominant nonsyndromic hearing loss 22. Last evaluated: 2023-02-28. Review status: criteria provided, single submitter. Criteria: Li et al. (Genet Med. 2022). Collection method: research. Allele origin: unknown. Affected: yes.
Comment: This variant is predicted to alter splicing by disrupting a splice acceptor at MYO6 exon 4 and potentially activating a cryptic splice acceptor in MYO6 intron 3. At the splice donor of MYO6 exon 4, the sequence change is atgtcttag|GTT > atgtcttatGTT, NSPLICE is 0.96 and 0.00 and MaxEnt is 8.80 and 0.20 for reference and mutant sequences respectively. A cryptic splice acceptor is weakly predicted 155bp upstream of the canonical splice at chr6:76,538,101 with sequence agcttctag|GGT, NNSPLICE 0.80 and MaxEnt 1.14. Consequences of altered splicing would be (a) skipping of MYO6 exon 4 resulting in a 74bp message deletion and premature stop at codon 77; (b) cryptic acceptor splice in intron 3 resulting in a 155bp message insertion and premature stop at codon 79. As of January 2023, this variant has not been reported to ClinVar and is not found on gnomAD. Based on the prediction that this variant leads to a splicing error and a truncated protein, clearly dominant inheritance of the phenotype in the family, and goodness of fit of genotype to phenotype, we conclude that this variant is likely pathogenic.

Literature cited by the submitters: PubMed 36633841.

NM_004999.4(MYO6):c.188-1G>T

Gene: MYO6 (myosin VI; plus strand). Cytogenetic location: 6q14.1.
Variant type: single nucleotide variant.
Coding change: c.188-1G>T on transcript NM_004999.4 (MANE Select); the canonical splice acceptor site of the intron before coding-DNA position 188, G replaced by T.
Molecular consequence: splice acceptor variant.
Genome position (GRCh38, 1-based): chr6:75,828,539, G>T. VCF-style: chr6-75828539-G-T. GRCh37 (hg19) VCF-style: chr6-76538256-G-T.
Other names: c.188-1G>T (NM_001368865.1, NM_001368866.1, NM_001368137.1 and 5 more transcripts).
Identifiers: ClinVar variation 2445628 (VCV002445628.1), dbSNP rs2534950585, ClinGen allele CA364764834.